The following is an entry in ClinVar:

ClinVar aggregate classification (germline): Pathogenic/Likely pathogenic. Review status: criteria provided, multiple submitters, no conflicts (2 of 4 stars). 3 submissions from 3 submitters: Pathogenic (1); Likely pathogenic (1). 1 of the submissions does not count toward it. Last evaluated 2024-09-09.

Conditions:
Achondrogenesis, type IB (ACG1B). Also called: Achondrogenesis Type 1B. Identifiers: Orphanet 932, Orphanet 93298, MedGen C0265274, MONDO:0010966, OMIM 600972.
Multiple epiphyseal dysplasia type 4 (EDM4). Also called: MULTIPLE EPIPHYSEAL DYSPLASIA WITH BILAYERED PATELLAE; MULTIPLE EPIPHYSEAL DYSPLASIA WITH CLUBFOOT; MULTIPLE EPIPHYSEAL DYSPLASIA, AUTOSOMAL RECESSIVE; SLC26A2-Related Multiple Epiphyseal Dysplasia; Multiple Epiphyseal Dysplasia, Recessive. Identifiers: Orphanet 93307, MedGen C1847593, MONDO:0009189, OMIM 226900.
Atelosteogenesis type II (AO2). Also called: SLC26A2-Related Atelosteogenesis; NEONATAL OSSEOUS DYSPLASIA I; Neonatal osseous dysplasia 1. Identifiers: Orphanet 56304, MedGen C1850554, MONDO:0009727, OMIM 256050.
Diastrophic dysplasia (DTD). Also called: Diastrophic dwarfism. Identifiers: Orphanet 628, MedGen C0220726, MONDO:0009107, OMIM 222600.

Submissions (3):

Natera, Inc.
Classification: Likely pathogenic for Achondrogenesis type IB. Last evaluated: 2024-09-09. Review status: criteria provided, single submitter. Criteria: Natera Variant Classification Schema (03/2026). Collection method: clinical testing. Allele origin: germline.
Comment: The c.438delT variant in SLC26A2 is a frameshift variant predicted to shift the reading frame beginning at codon 146 and leads to a stop codon 26 codons downstream. This variant is expected to result in nonsense mediated decay, truncation, or a dysfunctional protein product. This variant is rare in the general population with a frequency below the threshold expected for the associated phenotype(s). Given the available evidence, this variant is classified as Likely Pathogenic.

Labcorp Genetics (formerly Invitae), Labcorp
Classification: Pathogenic for Atelosteogenesis type II; Multiple epiphyseal dysplasia type 4; Achondrogenesis, type IB; Diastrophic dysplasia. Last evaluated: 2023-08-05. Review status: criteria provided, single submitter. Criteria: Invitae Variant Classification Sherloc (09022015). Collection method: clinical testing. Allele origin: germline.
Comment: For these reasons, this variant has been classified as Pathogenic. ClinVar contains an entry for this variant (Variation ID: 557601). This sequence change creates a premature translational stop signal (p.Phe146Leufs*26) in the SLC26A2 gene. It is expected to result in an absent or disrupted protein product. Loss-of-function variants in SLC26A2 are known to be pathogenic (PMID: 7923357, 10482955, 11241838). This variant is not present in population databases (gnomAD no frequency). This variant has not been reported in the literature in individuals affected with SLC26A2-related conditions.

Counsyl
Classification: Likely pathogenic for Multiple epiphyseal dysplasia type 4. Last evaluated: 2018-04-02. Review status: no assertion criteria provided. Collection method: clinical testing. Allele origin: unknown. Not counted in ClinVar's aggregate classification.

Literature cited by the submitters: PubMed 7923357 (cited by Labcorp Genetics (formerly Invitae), Labcorp); PubMed 10482955 (cited by Labcorp Genetics (formerly Invitae), Labcorp); PubMed 11241838 (cited by Labcorp Genetics (formerly Invitae), Labcorp).

NM_000112.4(SLC26A2):c.438del (p.Phe146fs)

Gene: SLC26A2 (solute carrier family 26 member 2; plus strand). Cytogenetic location: 5q32.
Variant type: Deletion.
Coding change: c.438del on transcript NM_000112.4 (MANE Select); coding-DNA position 438, one base deleted (T; older notation c.438delT).
Protein change: p.Phe146fs; shifts the reading frame from phenylalanine 146.
Molecular consequence: frameshift variant.
Genome position (GRCh38, 1-based): chr5:149,978,090, T deleted; the last of 7 consecutive T bases (chr5:149,978,084-149,978,090); deleting any one gives the same sequence. VCF-style (leftmost placement, unchanged base first): chr5-149978083-CT-C. GRCh37 (hg19) VCF-style: chr5-149357646-CT-C.
Other names: c.438delT (NM_000112.3); short protein forms F146fs.
Identifiers: ClinVar variation 557601 (VCV000557601.11), dbSNP rs769859976, ClinGen allele CA447401988.